The following is an entry in ClinVar:

NM_004991.4(MECOM):c.1977T>A (p.Asn659Lys)

Gene: MECOM (MDS1 and EVI1 complex locus; minus strand). Cytogenetic location: 3q26.2.
Variant type: single nucleotide variant.
Coding change: c.1977T>A on transcript NM_004991.4 (MANE Select); coding-DNA position 1977, T replaced by A.
Protein change: p.Asn659Lys; replaces asparagine 659 with lysine.
Molecular consequence: missense variant. On other transcripts: intron variant (2).
Genome position (GRCh38, 1-based): chr3:169,115,895, A>T on the plus strand (T>A on the coding strand, the complement: MECOM is on the minus strand). VCF-style: chr3-169115895-A-T. GRCh37 (hg19) VCF-style: chr3-168833683-A-T.
Other names: c.1608T>A, p.Asn536Lys (NM_001105077.4); c.1413T>A, p.Asn471Lys (NM_001105078.4, NM_001164000.2, NM_001205194.2 and 4 more transcripts); c.1416T>A, p.Asn472Lys (NM_001163999.2, NM_001366467.2, NM_001366468.2 and 1 more transcripts); c.1977T>A, p.Asn659Lys (NM_001366466.2); c.1133-128T>A (NM_001366473.2); c.569-128T>A (NM_001366474.2); c.1977T>A (NM_004991.3); short protein forms N659K, N471K, N472K, N536K.
Identifiers: ClinVar variation 1976209 (VCV001976209.6), dbSNP rs1199407138, ClinGen allele CA355086805.

ClinVar aggregate classification (germline): Uncertain significance. Review status: criteria provided, multiple submitters, no conflicts (2 of 4 stars). 2 submissions from 2 submitters: Uncertain significance (2). Last evaluated 2024-10-15.

Conditions:
Inborn genetic diseases. Identifiers: MedGen C0950123, MeSH D030342.

Allele frequency attached by ClinVar (database versions not stated): gnomAD exomes 0.00001; TOPMed 0.00001.
gnomAD v4.1: 4 of 1,614,110 alleles (0.00025%); highest among the groups gnomAD compares: Admixed American, 0.0067%; no homozygotes.

Submissions (2):

Ambry Genetics
Classification: Uncertain significance for Inborn genetic diseases. Last evaluated: 2024-10-15. Review status: criteria provided, single submitter. Criteria: Ambry Variant Classification Scheme 2023. Collection method: clinical testing. Allele origin: germline.
Comment: The p.N659K variant (also known as c.1977T>A), located in coding exon 8 of the MECOM gene, results from a T to A substitution at nucleotide position 1977. The asparagine at codon 659 is replaced by lysine, an amino acid with similar properties. This amino acid position is conserved. In addition, this alteration is predicted to be tolerated by in silico analysis. Based on the available evidence, the clinical significance of this variant remains unclear.

Labcorp Genetics (formerly Invitae), Labcorp
Classification: Uncertain significance. Last evaluated: 2022-07-08. Review status: criteria provided, single submitter. Criteria: Invitae Variant Classification Sherloc (09022015). Collection method: clinical testing. Allele origin: germline.
Comment: In summary, the available evidence is currently insufficient to determine the role of this variant in disease. Therefore, it has been classified as a Variant of Uncertain Significance. Algorithms developed to predict the effect of missense changes on protein structure and function are either unavailable or do not agree on the potential impact of this missense change (SIFT: "Deleterious"; PolyPhen-2: "Probably Damaging"; Align-GVGD: "Class C0"). This variant has not been reported in the literature in individuals affected with MECOM-related conditions. This variant is present in population databases (no rsID available, gnomAD 0.009%). This sequence change replaces asparagine, which is neutral and polar, with lysine, which is basic and polar, at codon 471 of the MECOM protein (p.Asn471Lys).